The following is an entry in ClinVar:

NM_005450.6(NOG):c.635G>A (p.Gly212Asp)

Gene: NOG (noggin; plus strand). Cytogenetic location: 17q22.
Variant type: single nucleotide variant.
Coding change: c.635G>A on transcript NM_005450.6 (MANE Select); coding-DNA position 635, G replaced by A.
Protein change: p.Gly212Asp; replaces glycine 212 with aspartic acid.
Molecular consequence: missense variant.
Genome position (GRCh38, 1-based): chr17:56,594,858, G>A. VCF-style: chr17-56594858-G-A. GRCh37 (hg19) VCF-style: chr17-54672219-G-A.
Other names: short protein forms G212D.
Identifiers: ClinVar variation 2985175 (VCV002985175.3), dbSNP rs1418951666, ClinGen allele CA399966753.
Genomic context (GRCh38, chr17:56,594,858, plus strand): 5'-GCAAGCCGTCCAAGTCCGTGCACCTCACGGTGCTGCGGTGGCGCTGTCAGCGGCGCGGGG[G>A]CCAGCGCTGCGGCTGGATTCCCATCCAGTACCCCATCATTTCCGAGTGCAAGTGCTCGTG-3'
Protein context (NP_005441.1, residues 202-222): VLRWRCQRRG[Gly212Asp]QRCGWIPIQY

ClinVar aggregate classification (germline): Uncertain significance (1 of 4 stars; one submission).

Allele frequency attached by ClinVar (database versions not stated): gnomAD exomes below 0.00001.

Submission:

Labcorp Genetics (formerly Invitae), Labcorp
Classification: Uncertain significance. Last evaluated: 2023-12-23. Review status: criteria provided, single submitter. Criteria: Invitae Variant Classification Sherloc (09022015). Collection method: clinical testing. Allele origin: germline.
Comment: This sequence change replaces glycine, which is neutral and non-polar, with aspartic acid, which is acidic and polar, at codon 212 of the NOG protein (p.Gly212Asp). This variant is not present in population databases (gnomAD no frequency). This variant has not been reported in the literature in individuals affected with NOG-related conditions. An algorithm developed to predict the effect of missense changes on protein structure and function (PolyPhen-2) suggests that this variant is likely to be tolerated. In summary, the available evidence is currently insufficient to determine the role of this variant in disease. Therefore, it has been classified as a Variant of Uncertain Significance.